The following is an entry in ClinVar:

NM_001355436.2(SPTB):c.1183-1G>A

Gene: SPTB (spectrin beta, erythrocytic; minus strand). Cytogenetic location: 14q23.3.
Variant type: single nucleotide variant.
Coding change: c.1183-1G>A on transcript NM_001355436.2 (MANE Select); the canonical splice acceptor site of the intron before coding-DNA position 1183, G replaced by A.
Molecular consequence: splice acceptor variant.
Genome position (GRCh38, 1-based): chr14:64,796,716, C>T on the plus strand (G>A on the coding strand, the complement: SPTB is on the minus strand). VCF-style: chr14-64796716-C-T. GRCh37 (hg19) VCF-style: chr14-65263434-C-T.
Other names: c.1183-1G>A (NM_001024858.4, NM_001355437.2).
Identifiers: ClinVar variation 2137595 (VCV002137595.4), dbSNP rs2503181366, ClinGen allele CA390025390.
Genomic context (GRCh38, chr14:64,796,716, plus strand): 5'-GAGCTCATTTCTCAGGGCCAGCTCCCGCCGATACTCAGCTTCCTCCAGGCTTTCCCAGGC[C>T]TGCACAAAGGATGGAATGAGAATTCTTGGGGCACAGGAGAAATGCCTCACTTTGGGGGCT-3'

ClinVar aggregate classification (germline): Likely pathogenic (1 of 4 stars; one submission).

Submission:

Labcorp Genetics (formerly Invitae), Labcorp
Classification: Likely pathogenic. Last evaluated: 2022-04-17. Review status: criteria provided, single submitter. Criteria: Invitae Variant Classification Sherloc (09022015). Collection method: clinical testing. Allele origin: germline.
Comment: This variant has not been reported in the literature in individuals affected with SPTB-related conditions. This variant is not present in population databases (gnomAD no frequency). Algorithms developed to predict the effect of sequence changes on RNA splicing suggest that this variant may disrupt the consensus splice site. In summary, the currently available evidence indicates that the variant is pathogenic, but additional data are needed to prove that conclusively. Therefore, this variant has been classified as Likely Pathogenic. This sequence change affects an acceptor splice site in intron 9 of the SPTB gene. It is expected to disrupt RNA splicing. Variants that disrupt the donor or acceptor splice site typically lead to a loss of protein function (PMID: 16199547), and loss-of-function variants in SPTB are known to be pathogenic (PMID: 1391962, 1498324, 8844207, 26830532, 27292444).

Literature cited by the submitters: PubMed 16199547; PubMed 1391962; PubMed 1498324; PubMed 8844207; PubMed 26830532; PubMed 27292444.